The following is an entry in ClinVar:

ClinVar aggregate classification (germline): Uncertain significance (1 of 4 stars; one submission).

Allele frequency attached by ClinVar (database versions not stated): TOPMed 0.00001; ExAC 0.00002; gnomAD 0.00002; gnomAD exomes 0.00002.
gnomAD v4.1: 25 of 1,614,020 alleles (0.0015%); highest among the groups gnomAD compares: African/African-American, 0.0027%; no homozygotes.

Submission:

Labcorp Genetics (formerly Invitae), Labcorp
Classification: Uncertain significance. Last evaluated: 2022-04-06. Review status: criteria provided, single submitter. Criteria: Invitae Variant Classification Sherloc (09022015). Collection method: clinical testing. Allele origin: germline.
Comment: This sequence change replaces aspartic acid, which is acidic and polar, with asparagine, which is neutral and polar, at codon 366 of the SLC26A3 protein (p.Asp366Asn). This variant is present in population databases (rs747100587, gnomAD 0.004%). This variant has not been reported in the literature in individuals affected with SLC26A3-related conditions. Algorithms developed to predict the effect of missense changes on protein structure and function are either unavailable or do not agree on the potential impact of this missense change (SIFT: "Tolerated"; PolyPhen-2: "Possibly Damaging"; Align-GVGD: "Class C0"). In summary, the available evidence is currently insufficient to determine the role of this variant in disease. Therefore, it has been classified as a Variant of Uncertain Significance.

NM_000111.3(SLC26A3):c.1096G>A (p.Asp366Asn)

Gene: SLC26A3 (solute carrier family 26 member 3; minus strand). Cytogenetic location: 7q22.3.
Variant type: single nucleotide variant.
Coding change: c.1096G>A on transcript NM_000111.3 (MANE Select); coding-DNA position 1096, G replaced by A.
Protein change: p.Asp366Asn; replaces aspartic acid 366 with asparagine.
Molecular consequence: missense variant.
Genome position (GRCh38, 1-based): chr7:107,783,228, C>T on the plus strand (G>A on the coding strand, the complement: SLC26A3 is on the minus strand). VCF-style: chr7-107783228-C-T. GRCh37 (hg19) VCF-style: chr7-107423673-C-T.
Other names: short protein forms D366N.
Identifiers: ClinVar variation 1969415 (VCV001969415.2), dbSNP rs747100587, ClinGen allele CA4433942.